The following is an entry in ClinVar:

NM_000179.3(MSH6):c.3801+14del

Gene: MSH6 (mutS homolog 6; plus strand). Cytogenetic location: 2p16.3.
Variant type: Deletion.
Coding change: c.3801+14del on transcript NM_000179.3 (MANE Select); 14 bases into the intron after coding-DNA position 3801, one base deleted (G; older notation c.3801+14delG).
Molecular consequence: intron variant.
Genome position (GRCh38, 1-based): chr2:47,806,372, G deleted. VCF-style (leftmost placement, unchanged base first): chr2-47806371-TG-T. GRCh37 (hg19) VCF-style: chr2-48033510-TG-T.
Other names: c.2895+14del (NM_001281493.2, NM_001281494.2); c.3411+14del (NM_001281492.2); c.3801+14delG (NM_000179.2).
Identifiers: ClinVar variation 420273 (VCV000420273.9), dbSNP rs1064794387, ClinGen allele CA16617711.
Genomic context (GRCh38, chr2:47,806,371, plus strand): 5'-TTAGTAGAAGATTATTCTCAAAATGTTGCTGTGCGCCTAGGACATATGGTATGTGCAAAT[TG>T]TTTTTTTCCACAAATTCGGTTTTTTGAGAGGGCACTTCTCTTGCTAGCACATGTATCGCT-3'

ClinVar aggregate classification (germline): Likely benign. Review status: criteria provided, multiple submitters, no conflicts (2 of 4 stars). 2 submissions from 2 submitters: Likely benign (2). Last evaluated 2026-01-13.

Conditions:
Hereditary nonpolyposis colorectal neoplasms. Identifiers: MedGen C0009405, MeSH D003123.

Allele frequency attached by ClinVar (database versions not stated): TOPMed below 0.00001; gnomAD 0.00001.

Submissions (2):

Labcorp Genetics (formerly Invitae), Labcorp
Classification: Likely benign for Hereditary nonpolyposis colorectal neoplasms. Last evaluated: 2026-01-13. Review status: criteria provided, single submitter. Criteria: Invitae Variant Classification Sherloc (09022015). Collection method: clinical testing. Allele origin: germline.

GeneDx
Classification: Likely benign. Last evaluated: 2015-12-11. Review status: criteria provided, single submitter. Criteria: GeneDx Variant Classification (06012015). Collection method: clinical testing. Allele origin: germline. Affected: yes.
Comment: This variant is considered likely benign or benign based on one or more of the following criteria: it is a conservative change, it occurs at a poorly conserved position in the protein, it is predicted to be benign by multiple in silico algorithms, and/or has population frequency not consistent with disease.